The following is an entry in ClinVar:

ClinVar aggregate classification (germline): Uncertain significance. Review status: criteria provided, multiple submitters, no conflicts (2 of 4 stars). 2 submissions from 2 submitters: Uncertain significance (2). Last evaluated 2024-12-15.

Conditions:
Ellis-van Creveld syndrome (EVC). Also called: MESOECTODERMAL DYSPLASIA; EVC-Related Ellis-van Creveld Syndrome; EVC2-Related Ellis-van Creveld Syndrome; Chondroectodermal dysplasia. Identifiers: Orphanet 289, MedGen C0013903, MONDO:0009162, OMIM 225500.
Curry-Hall syndrome (WAD). Also called: WEYERS ACRODENTAL DYSOSTOSIS. Identifiers: Orphanet 952, MedGen C0457013, MONDO:0008673, OMIM 193530.
Inborn genetic diseases. Identifiers: MedGen C0950123, MeSH D030342.

gnomAD v4.1: 32 of 1,607,626 alleles (0.002%); highest among the groups gnomAD compares: South Asian, 0.011%; no homozygotes.

Submissions (2):

Labcorp Genetics (formerly Invitae), Labcorp
Classification: Uncertain significance for Curry-Hall syndrome; Ellis-van Creveld syndrome. Last evaluated: 2024-12-15. Review status: criteria provided, single submitter. Criteria: Invitae Variant Classification Sherloc (09022015). Collection method: clinical testing. Allele origin: germline.
Comment: This sequence change replaces arginine, which is basic and polar, with glutamine, which is neutral and polar, at codon 1141 of the EVC2 protein (p.Arg1141Gln). This variant is present in population databases (rs778201846, gnomAD 0.02%). This variant has not been reported in the literature in individuals affected with EVC2-related conditions. ClinVar contains an entry for this variant (Variation ID: 2041604). An algorithm developed to predict the effect of missense changes on protein structure and function (PolyPhen-2) suggests that this variant is likely to be disruptive. In summary, the available evidence is currently insufficient to determine the role of this variant in disease. Therefore, it has been classified as a Variant of Uncertain Significance.

Ambry Genetics
Classification: Uncertain significance for Inborn genetic diseases. Last evaluated: 2022-09-06. Review status: criteria provided, single submitter. Criteria: Ambry Variant Classification Scheme 2023. Collection method: clinical testing. Allele origin: germline.

NM_147127.5(EVC2):c.3422G>A (p.Arg1141Gln)

Gene: EVC2 (EvC ciliary complex subunit 2; minus strand). Cytogenetic location: 4p16.2.
Variant type: single nucleotide variant.
Coding change: c.3422G>A on transcript NM_147127.5 (MANE Select); coding-DNA position 3422, G replaced by A.
Protein change: p.Arg1141Gln; replaces arginine 1141 with glutamine.
Molecular consequence: missense variant.
Genome position (GRCh38, 1-based): chr4:5,568,579, C>T on the plus strand (G>A on the coding strand, the complement: EVC2 is on the minus strand). VCF-style: chr4-5568579-C-T. GRCh37 (hg19) VCF-style: chr4-5570306-C-T.
Other names: c.3182G>A, p.Arg1061Gln (NM_001166136.2); short protein forms R1061Q, R1141Q.
Identifiers: ClinVar variation 2041604 (VCV002041604.3), dbSNP rs778201846, ClinGen allele CA2834315.
Genomic context (GRCh38, chr4:5,568,579, plus strand): 5'-GAATCCAGCAGGGCCAGCAGCTGAGGCTGTGAGGCTGTGGGCAGTACCACACTCAGGAGC[C>T]GGCGAAGCGTGGCCCCGGGCACCATGGCCATCCTCGCCAGGTACGATGCCAGTCTCAGCT-3'
Protein context (NP_667338.3, residues 1131-1151): MAMVPGATLR[Arg1141Gln]LLSVVLPTAS